The following is an entry in ClinVar:

NM_000268.4(NF2):c.581A>G (p.Glu194Gly)

Gene: NF2 (NF2, moesin-ezrin-radixin like (MERLIN) tumor suppressor; plus strand). Cytogenetic location: 22q12.2.
Variant type: single nucleotide variant.
Coding change: c.581A>G on transcript NM_000268.4 (MANE Select); coding-DNA position 581, A replaced by G.
Protein change: p.Glu194Gly; replaces glutamic acid 194 with glycine.
Molecular consequence: missense variant. On other transcripts: intron variant (1).
Genome position (GRCh38, 1-based): chr22:29,655,658, A>G. VCF-style: chr22-29655658-A-G. GRCh37 (hg19) VCF-style: chr22-30051647-A-G.
Other names: c.467A>G, p.Glu156Gly (NM_001407053.1, NM_001407056.1); c.458A>G, p.Glu153Gly (NM_001407054.1, NM_001407058.1, NM_001407062.1 and 1 more transcripts); c.455A>G, p.Glu152Gly (NM_001407055.1, NM_181828.3); c.581A>G, p.Glu194Gly (NM_001407057.1, NM_001407059.1, NM_001407060.1 and 4 more transcripts); c.332A>G, p.Glu111Gly (NM_001407063.1, NM_001407064.1, NM_181830.3 and 1 more transcripts); c.47A>G, p.Glu16Gly (NM_001407065.1); c.350A>G, p.Glu117Gly (NM_001407067.1); c.447+13373A>G (NM_181833.3); short protein forms E117G, E152G, E153G, E156G, E16G, E194G, E111G.
Identifiers: ClinVar variation 2830037 (VCV002830037.3), dbSNP rs2146973493, ClinGen allele CA411142664.
Genomic context (GRCh38, chr22:29,655,658, plus strand): 5'-TAAATCTGTATCAGATGACTCCGGAAATGTGGGAGGAGAGAATTACTGCTTGGTACGCAG[A>G]GCACCGAGGCCGAGCCAGGTGAGGCCCATTCATTGTTGGTTTACATTCCTTTATGGGCTT-3'
Protein context (NP_000259.1, residues 184-204): WEERITAWYA[Glu194Gly]HRGRARDEAE

ClinVar aggregate classification (germline): Uncertain significance (1 of 4 stars; one submission).

Conditions:
Neurofibromatosis, type 2 (SWNV). Also called: BILATERAL ACOUSTIC NEUROFIBROMATOSIS; NF2-Related Schwannomatosis; SCHWANNOMATOSIS, VESTIBULAR. Identifiers: Orphanet 637, MedGen C0027832, MONDO:0007039, OMIM 101000. Disease mechanism: loss of function.

Submission:

Labcorp Genetics (formerly Invitae), Labcorp
Classification: Uncertain significance for Neurofibromatosis, type 2. Last evaluated: 2023-01-19. Review status: criteria provided, single submitter. Criteria: Invitae Variant Classification Sherloc (09022015). Collection method: clinical testing. Allele origin: germline.
Comment: This variant is not present in population databases (gnomAD no frequency). This sequence change replaces glutamic acid, which is acidic and polar, with glycine, which is neutral and non-polar, at codon 194 of the NF2 protein (p.Glu194Gly). In summary, the available evidence is currently insufficient to determine the role of this variant in disease. Therefore, it has been classified as a Variant of Uncertain Significance. Advanced modeling of protein sequence and biophysical properties (such as structural, functional, and spatial information, amino acid conservation, physicochemical variation, residue mobility, and thermodynamic stability) performed at Invitae indicates that this missense variant is not expected to disrupt NF2 protein function. This variant has not been reported in the literature in individuals affected with NF2-related conditions.